The following is an entry in ClinVar:

ClinVar aggregate classification (germline): Likely benign. Review status: criteria provided, multiple submitters, no conflicts (2 of 4 stars). 2 submissions from 2 submitters: Likely benign (2). Last evaluated 2021-06-17.

Conditions:
Charcot-Marie-Tooth Neuropathy X. Identifiers: MedGen CN118851.
Combined oxidative phosphorylation deficiency. Identifiers: MedGen C4540031, MONDO:0000732.

Allele frequency attached by ClinVar (database versions not stated): ExAC 0.00001; gnomAD exomes 0.00001; gnomAD 0.00003; TOPMed 0.00004; ESP Exome Variant Server 0.00009.
gnomAD v4.1: 3 of 1,202,102 alleles (0.00025%); highest among the groups gnomAD compares: African/African-American, 0.0053%; no homozygotes.

Submissions (2):

Labcorp Genetics (formerly Invitae), Labcorp
Classification: Likely benign for Charcot-Marie-Tooth Neuropathy X; Combined oxidative phosphorylation deficiency. Last evaluated: 2021-06-17. Review status: criteria provided, single submitter. Criteria: Invitae Variant Classification Sherloc (09022015). Collection method: clinical testing. Allele origin: germline.

GeneDx
Classification: Likely benign. Last evaluated: 2017-01-25. Review status: criteria provided, single submitter. Criteria: GeneDx Variant Classification (06012015). Collection method: clinical testing. Allele origin: germline. Affected: yes.
Comment: This variant is considered likely benign or benign based on one or more of the following criteria: it is a conservative change, it occurs at a poorly conserved position in the protein, it is predicted to be benign by multiple in silico algorithms, and/or has population frequency not consistent with disease.

NM_004208.4(AIFM1):c.782-4C>A

Genes: AIFM1 (apoptosis inducing factor mitochondria associated 1; minus strand), RAB33A (RAB33A, member RAS oncogene family; plus strand). Cytogenetic location: Xq26.1.
Variant type: single nucleotide variant.
Coding change: c.782-4C>A on transcript NM_004208.4 (MANE Select); 4 bases into the intron before coding-DNA position 782, C replaced by A.
Molecular consequence: intron variant.
Genome position (GRCh38, 1-based): chrX:130,139,875, G>T on the plus strand (C>A on the coding strand, the complement: AIFM1 is on the minus strand). VCF-style: chrX-130139875-G-T. GRCh37 (hg19) VCF-style: chrX-129273850-G-T.
Other names: c.770-4C>A (NM_145812.3); c.782-4C>A (NM_001130847.4).
Identifiers: ClinVar variation 506999 (VCV000506999.8), dbSNP rs376467312, ClinGen allele CA10515388.